The following is an entry in ClinVar:

ClinVar aggregate classification (germline): Conflicting classifications of pathogenicity. Review status: criteria provided, conflicting classifications (1 of 4 stars). 4 submissions from 4 submitters: Pathogenic (2); Likely pathogenic (1); Uncertain significance (1). Last evaluated 2025-10-26.

Conditions:
Catecholaminergic polymorphic ventricular tachycardia 1. Also called: VENTRICULAR TACHYCARDIA, STRESS-INDUCED POLYMORPHIC 1; VENTRICULAR TACHYCARDIA, CATECHOLAMINERGIC POLYMORPHIC, 1, WITH OR WITHOUT ATRIAL DYSFUNCTION AND/OR DILATED CARDIOMYOPATHY; RYR2-Related Catecholaminergic Polymorphic Ventricular Tachycardia. Identifiers: Orphanet 3286, MedGen C1631597, MONDO:0011484, OMIM 604772.

Allele frequency attached by ClinVar (database versions not stated): gnomAD exomes below 0.00001.
gnomAD v4.1: 1 of 1,611,096 alleles (0.000062%); highest among the groups gnomAD compares: Non-Finnish European, 0.000085%; no homozygotes.

Submissions (4):

Labcorp Genetics (formerly Invitae), Labcorp
Classification: Pathogenic for Catecholaminergic polymorphic ventricular tachycardia 1. Last evaluated: 2025-10-26. Review status: criteria provided, single submitter. Criteria: Invitae Variant Classification Sherloc (09022015). Collection method: clinical testing. Allele origin: germline.
Comment: This sequence change replaces arginine, which is basic and polar, with glutamine, which is neutral and polar, at codon 4608 of the RYR2 protein (p.Arg4608Gln). This variant is not present in population databases (gnomAD no frequency). This missense change has been observed in individuals with clinical features of autosomal dominant RYR2-related conditions (PMID: 25194972, 28449774, 29951146; internal data). ClinVar contains an entry for this variant (Variation ID: 463572). Invitae Evidence Modeling of protein sequence and biophysical properties (such as structural, functional, and spatial information, amino acid conservation, physicochemical variation, residue mobility, and thermodynamic stability) indicates that this missense variant is expected to disrupt RYR2 protein function with a positive predictive value of 95%. Experimental studies have shown that this missense change affects RYR2 function (PMID: 34730774). This variant disrupts the p.Arg4608 amino acid residue in RYR2. Other variant(s) that disrupt this residue have been determined to be pathogenic (PMID: 24631775, 29247119, 34730774; internal data). This suggests that this residue is clinically significant, and that variants that disrupt this residue are likely to be disease-causing. For these reasons, this variant has been classified as Pathogenic.

Victorian Clinical Genetics Services, Murdoch Childrens Research Institute
Classification: Pathogenic for Catecholaminergic polymorphic ventricular tachycardia 1. Last evaluated: 2023-07-16. Review status: criteria provided, single submitter. Criteria: ACMG Guidelines, 2015. Collection method: clinical testing. Allele origin: germline. Inheritance: Autosomal dominant inheritance. Affected: yes.
Comment: Based on the classification scheme VCGS_Germline_v1.3.4, this variant is classified as a Pathogenic. Following criteria are met: 0103 - Dominant negative and gain of function are known mechanisms of disease in this gene and are associated with catecholaminergic polymorphic ventricular tachycardia 1 (CPVT; MIM#604772) (PMIDs: 12459180, 27646203, 29477366). (I) 0107 - This gene is associated with autosomal dominant disease. (I) 0112 - The condition associated with this gene has incomplete penetrance. Penetrance for CPVT is estimated to be 60-70% (PMID: 23549275). (I) 0200 - Variant is predicted to result in a missense amino acid change from arginine to glutamine. (I) 0251 - This variant is heterozygous. (I) 0301 - Variant is absent from gnomAD (both v2 and v3). (SP) 0501 - Missense variant consistently predicted to be damaging by multiple in silico tools or highly conserved with a major amino acid change. (SP) 0602 - Variant is located in a hotspot region or cluster of pathogenic variants (PMID: 30696458). (SP) 0704 - Another missense variant comparable to the one identified in this case has limited previous evidence for pathogenicity. An alternative change to a tryptophan has been reported in an individual who suffered a sudden unexplained death (PMID: 24631775, 29247119). It has also been reported once as likely pathogenic and once as VUS in ClinVar. (SP) 0801 - This variant has strong previous evidence of pathogenicity in unrelated individuals. This variant has been reported in multiple individuals with catecholaminergic polymorphic ventricular tachycardia or idiopathic ventricular fibrillation and in individuals who suffered a sudden death (ClinVar, PMID: 25194972, 28449774, 29453246, 31057083). (SP) 0905 - No published segregation evidence has been identified for this variant. (I) 1007 - No published functional evidence has been identified for this variant. (I) 1208 - Inheritance information for this variant is not currently available in this individual. (I) Legend: (SP) - Supporting pathogenic, (I) - Information, (SB) - Supporting benign

MVZ Martinsried, Medicover Genetics
Classification: Likely pathogenic for Catecholaminergic polymorphic ventricular tachycardia 1. Last evaluated: 2019-11-13. Review status: criteria provided, single submitter. Criteria: ACMG Guidelines, 2015. Collection method: clinical testing. Allele origin: unknown. Affected: yes.

GeneDx
Classification: Uncertain significance. Last evaluated: 2019-08-28. Review status: criteria provided, single submitter. Criteria: GeneDx Variant Classification Process June 2021. Collection method: clinical testing. Allele origin: germline. Affected: yes.
Comment: Not observed in large population cohorts (Lek et al., 2016); Reported in ClinVar as a variant of uncertain significance (ClinVar Variant ID# 463572; Landrum et al., 2016); In silico analysis, which includes protein predictors and evolutionary conservation, supports a deleterious effect; Located in one of the three hot-spot regions of the RYR2 gene, where the majority of pathogenic missense variants occur (Medeiros-Domingo et al., 2009); Additional evidence, such as observation in a greater number of affected individuals, more segregation data, and/or functional studies, are needed to further clarify its pathogenicity; This variant is associated with the following publications: (PMID: 25194972, 28449774, 29951146, 31057083, 31337358)

Literature cited by the submitters: PubMed 25194972 (cited by Labcorp Genetics (formerly Invitae), Labcorp and Victorian Clinical Genetics Services, Murdoch Childrens Research Institute); PubMed 28449774 (cited by Labcorp Genetics (formerly Invitae), Labcorp and Victorian Clinical Genetics Services, Murdoch Childrens Research Institute); PubMed 29951146 (cited by Labcorp Genetics (formerly Invitae), Labcorp); PubMed 34730774 (cited by Labcorp Genetics (formerly Invitae), Labcorp); PubMed 24631775 (cited by Labcorp Genetics (formerly Invitae), Labcorp and Victorian Clinical Genetics Services, Murdoch Childrens Research Institute); PubMed 29247119 (cited by Labcorp Genetics (formerly Invitae), Labcorp and Victorian Clinical Genetics Services, Murdoch Childrens Research Institute); PubMed 12459180 (cited by Victorian Clinical Genetics Services, Murdoch Childrens Research Institute); PubMed 23549275 (cited by Victorian Clinical Genetics Services, Murdoch Childrens Research Institute); PubMed 27646203 (cited by Victorian Clinical Genetics Services, Murdoch Childrens Research Institute); PubMed 29453246 (cited by Victorian Clinical Genetics Services, Murdoch Childrens Research Institute); PubMed 29477366 (cited by Victorian Clinical Genetics Services, Murdoch Childrens Research Institute); PubMed 30696458 (cited by Victorian Clinical Genetics Services, Murdoch Childrens Research Institute); PubMed 31057083 (cited by Victorian Clinical Genetics Services, Murdoch Childrens Research Institute).

NM_001035.3(RYR2):c.13823G>A (p.Arg4608Gln)

Gene: RYR2 (ryanodine receptor 2; plus strand). Cytogenetic location: 1q43.
Variant type: single nucleotide variant.
Coding change: c.13823G>A on transcript NM_001035.3 (MANE Select); coding-DNA position 13823, G replaced by A.
Protein change: p.Arg4608Gln; replaces arginine 4608 with glutamine.
Molecular consequence: missense variant.
Genome position (GRCh38, 1-based): chr1:237,793,907, G>A. VCF-style: chr1-237793907-G-A. GRCh37 (hg19) VCF-style: chr1-237957207-G-A.
Other names: c.13823G>A, p.Arg4608Gln (LRG_402t1); short protein forms R4608Q.
Identifiers: ClinVar variation 463572 (VCV000463572.14), dbSNP rs1553328170, ClinGen allele CA345418069.
Genomic context (GRCh38, chr1:237,793,907, plus strand): 5'-TATTTATTTTTCCTATGTAGGTCCCATTGGTTATTTTTAAGCGAGAAAAGGAAGTGGCAC[G>A]GAAATTGGAATTTGATGGGCTTTATATTACAGAACAGCCTTCAGAAGATGATATTAAAGG-3'
Protein context (NP_001026.2, residues 4598-4618): VIFKREKEVA[Arg4608Gln]KLEFDGLYIT